The following continues an entry in ClinVar:

NM_032043.3(BRIP1):c.3444C>A (p.Asp1148Glu)

Gene: BRIP1. ClinVar aggregate classification (germline): Conflicting classifications of pathogenicity. Uncertain significance (16); Likely benign (5).

Submissions 11 to 27 of 27:

ARUP Laboratories, Molecular Genetics and Genomics, ARUP Laboratories
Classification: Uncertain significance. Last evaluated: 2023-11-30. Review status: criteria provided, single submitter. Criteria: ARUP Molecular Germline Variant Investigation Process 2024. Collection method: clinical testing. Allele origin: germline.
Comment: The BRIP1 c.3444C>A; p.Asp1148Glu variant (rs28997573) is reported in the literature in individuals with hereditary cancer syndromes but is also reported in healthy controls (Bhai 2021, Ramus 2015, Seal 2006, Tung 2015, Yurgelun 2015). This variant is also reported in ClinVar (Variation ID: 133758). It is observed in the general population with an overall allele frequency of 0.01% (29/281212 alleles) in the Genome Aggregation Database (v2.1.1). Computational analyses predict that this variant is neutral (REVEL: 0.072). Due to limited information, the clinical significance of this variant is uncertain at this time. References: Bhai P et al. Analysis of Sequence and Copy Number Variants in Canadian Patient Cohort With Familial Cancer Syndromes Using a Unique Next Generation Sequencing Based Approach. Front Genet. 2021 Jul 13;12:698595. PMID: 34326862. Ramus SJ et al. Germline Mutations in the BRIP1, BARD1, PALB2, and NBN Genes in Women With Ovarian Cancer. J Natl Cancer Inst. 2015 Aug 27;107(11):djv214. PMID: 26315354. Seal S et al. Truncating mutations in the Fanconi anemia J gene BRIP1 are low-penetrance breast cancer susceptibility alleles. Nat Genet. 2006 Nov;38(11):1239-41. PMID: 17033622. Tung N et al. Frequency of mutations in individuals with breast cancer referred for BRCA1 and BRCA2 testing using next-generation sequencing with a 25-gene panel. Cancer. 2015 Jan 1;121(1):25-33. PMID: 25186627. Yurgelun MB et al. Identification of a Variety of Mutations in Cancer Predisposition Genes in Patients With Suspected Lynch Syndrome. Gastroenterology. 2015 Sep;149(3):604-13.e20. PMID: 25980754.

Department of Pathology and Laboratory Medicine, Sinai Health System
Classification: Uncertain significance for Familial cancer of breast. Last evaluated: 2023-08-17. Review status: criteria provided, single submitter. Criteria: ACMG Guidelines, 2015. Collection method: clinical testing. Allele origin: germline. Affected: yes.

CHEO Genetics Diagnostic Laboratory, Children's Hospital of Eastern Ontario
Classification: Uncertain significance for Breast and/or ovarian cancer. Last evaluated: 2023-06-05. Review status: criteria provided, single submitter. Criteria: ACMG Guidelines, 2015. Collection method: clinical testing. Allele origin: germline.

Myriad Genetics, Inc.
Classification: Uncertain significance for Familial cancer of breast. Last evaluated: 2023-03-02. Review status: criteria provided, single submitter. Criteria: Myriad Autosomal Dominant, Autosomal Recessive and X-Linked Classification Criteria (2023). Collection method: clinical testing. Allele origin: unknown.
Comment: This variant is classified as a variant of uncertain significance as there is insufficient evidence to determine its impact on protein function and/or cancer risk.

MGZ Medical Genetics Center
Classification: Uncertain significance for Familial cancer of breast. Last evaluated: 2022-08-09. Review status: criteria provided, single submitter. Criteria: ACMG Guidelines, 2015. Collection method: clinical testing. Allele origin: germline. Affected: yes. Observed: 2 variant alleles.
Comment: ACMG criteria applied: PS4_SUP, PM2_SUP, BP4

Genetics and Molecular Pathology, SA Pathology
Classification: Uncertain significance for Familial cancer of breast. Last evaluated: 2022-05-25. Review status: criteria provided, single submitter. Criteria: ACMG Guidelines, 2015. Collection method: clinical testing. Allele origin: germline. Affected: yes.

Sema4
Classification: Uncertain significance for Hereditary cancer-predisposing syndrome. Last evaluated: 2022-02-24. Review status: criteria provided, single submitter. Criteria: Sema4 Curation Guidelines. Collection method: curation. Allele origin: germline.
Comment: The BRIP1 c.3444C>A (p.D1148E) variant has been reported in at least one individual who was tested for Lynch syndrome and in several individuals with ovarian cancer, breast cancer, uterine corpus endometrial carcinoma, and kidney renal clear cell carcinoma (PMID: 25980754, 26315354, 25186627, 26689913, 26921362, 17033622, 33471991). However, it was also reported in unaffected individuals (PMID: 26315354, 26921362, 33471991). This variant was observed in 26/128856 chromosomes in the Non-Finnish European population according to the Genome Aggregation Database (PMID: 27535533). The variant has been reported in ClinVar (Variation ID 133758). The glutamic acid residue (this change) is found in multiple mammalian species, suggesting that this missense variant does not adversely affect protein function. In silico tools suggest the impact of the variant on protein function is benign, though these predictions have not been confirmed by functional studies. There is no indication that this variant causes disease, but the evidence is insufficient currently to prove that conclusively. Thus, the clinical significance of this variant is currently uncertain.

Institute for Clinical Genetics, University Hospital TU Dresden, University Hospital TU Dresden
Classification: Uncertain significance. Last evaluated: 2021-11-03. Review status: criteria provided, single submitter. Criteria: ACMG Guidelines, 2015. Collection method: clinical testing. Allele origin: germline.

Mendelics
Classification: Uncertain significance for Familial cancer of breast. Last evaluated: 2019-05-28. Review status: criteria provided, single submitter. Criteria: Mendelics Assertion Criteria 2017. Collection method: clinical testing. Allele origin: unknown.

Ambry Genetics
Classification: Likely benign for Hereditary cancer-predisposing syndrome. Last evaluated: 2019-01-22. Review status: criteria provided, single submitter. Criteria: Ambry Variant Classification Scheme 2023. Collection method: clinical testing. Allele origin: germline.

Genetic Services Laboratory, University of Chicago
Classification: Uncertain significance. Last evaluated: 2018-03-12. Review status: criteria provided, single submitter. Criteria: ACMG Guidelines, 2015. Collection method: clinical testing. Allele origin: germline. Affected: no.

True Health Diagnostics
Classification: Likely benign for Hereditary cancer-predisposing syndrome. Last evaluated: 2017-10-30. Review status: no assertion criteria provided. Collection method: clinical testing. Allele origin: germline. Not counted in ClinVar's aggregate classification.

Counsyl
Classification: Uncertain significance for Fanconi anemia complementation group J. Last evaluated: 2016-11-02. Review status: no assertion criteria provided. Collection method: clinical testing. Allele origin: unknown. Not counted in ClinVar's aggregate classification.

Counsyl
Classification: Uncertain significance for Ovarian cancer. Last evaluated: 2016-11-02. Review status: no assertion criteria provided. Collection method: clinical testing. Allele origin: unknown. Not counted in ClinVar's aggregate classification.

ITMI
No classification provided. Condition: AllHighlyPenetrant. Last evaluated: 2013-09-19. Review status: no classification provided. Collection method: reference population. Allele origin: germline. Not counted in ClinVar's aggregate classification.
Comment: Please see associated publication for description of ethnicities

Clinical Genetics Laboratory, Department of Pathology, Netherlands Cancer Institute
Classification: Likely benign. Review status: no assertion criteria provided. Collection method: clinical testing. Allele origin: germline. Affected: yes. Study: VKGL Data-share Consensus. Not counted in ClinVar's aggregate classification.

Joint Genome Diagnostic Labs from Nijmegen and Maastricht, Radboudumc and MUMC+
Classification: Likely benign. Review status: no assertion criteria provided. Collection method: clinical testing. Allele origin: germline. Affected: yes. Study: VKGL Data-share Consensus. Not counted in ClinVar's aggregate classification.

Literature cited by the submitters: PubMed 23555315 (cited by Women's Health and Genetics/Laboratory Corporation of America, LabCorp and Counsyl); PubMed 25980754 (cited by 7 submitters); PubMed 26315354 (cited by 8 submitters); PubMed 25186627 (cited by 7 submitters); PubMed 17033622 (cited by 4 submitters); PubMed 26689913 (cited by 7 submitters); PubMed 26921362 (cited by 5 submitters); PubMed 34326862 (cited by Quest Diagnostics Nichols Institute San Juan Capistrano); PubMed 33471991 (cited by Sema4); PubMed 24728327 (cited by 3 submitters).